The following is an entry in ClinVar:

NM_001378454.1(ALMS1):c.6037G>T (p.Ala2013Ser)

Gene: ALMS1 (ALMS1 centrosome and basal body associated protein; plus strand). Cytogenetic location: 2p13.1.
Variant type: single nucleotide variant.
Coding change: c.6037G>T on transcript NM_001378454.1 (MANE Select); coding-DNA position 6037, G replaced by T.
Protein change: p.Ala2013Ser; replaces alanine 2013 with serine.
Molecular consequence: missense variant.
Genome position (GRCh38, 1-based): chr2:73,452,564, G>T. VCF-style: chr2-73452564-G-T. GRCh37 (hg19) VCF-style: chr2-73679691-G-T.
Other names: c.6040G>T, p.Ala2014Ser (NM_015120.4); short protein forms A2014S, A2013S.
Identifiers: ClinVar variation 393375 (VCV000393375.1), dbSNP rs1057524884, ClinGen allele CA16609244.

ClinVar aggregate classification (germline): Likely benign (1 of 4 stars; one submission).

Conditions:
Monogenic diabetes. Identifiers: Orphanet 183625, MedGen C3888631, MONDO:0015967.

Allele frequency attached by ClinVar (database versions not stated): TOPMed below 0.00001; gnomAD 0.00001.
gnomAD v4.1: 3 of 1,613,900 alleles (0.00019%); highest among the groups gnomAD compares: Non-Finnish European, 0.00025%; no homozygotes.

Submission:

Personalized Diabetes Medicine Program, University of Maryland School of Medicine
Classification: Likely benign for Monogenic diabetes. Last evaluated: 2016-07-19. Review status: criteria provided, single submitter. Criteria: ACMG Guidelines, 2015. Collection method: research. Allele origin: unknown. Observed: 1 variant allele, 1 heterozygote.
Comment: ACMG Criteria: PM2, BP1, BP4